The following is an entry in ClinVar:

ClinVar aggregate classification (germline): Benign/Likely benign. Review status: criteria provided, multiple submitters, no conflicts (2 of 4 stars). 4 submissions from 4 submitters: Benign (1); Likely benign (3). Last evaluated 2024-12-23.

Conditions:
Hereditary nonpolyposis colorectal neoplasms. Identifiers: MedGen C0009405, MeSH D003123.
Hereditary cancer-predisposing syndrome. Also called: Neoplastic Syndromes, Hereditary; Tumor predisposition; Hereditary Cancer Syndrome; Hereditary neoplastic syndrome. Identifiers: Orphanet 140162, MedGen C0027672, MeSH D009386, MONDO:0015356.
Lynch syndrome 5 (LYNCH5). Also called: Colorectal cancer, hereditary nonpolyposis, type 5; Hereditary non-polyposis colorectal cancer, type 5. Identifiers: Orphanet 144, MedGen C1833477, MONDO:0013710, OMIM 614350. Disease mechanism: loss of function.

Allele frequency attached by ClinVar (database versions not stated): TOPMed below 0.00001.

Submissions (4):

Myriad Genetics, Inc.
Classification: Benign for Lynch syndrome 5. Last evaluated: 2024-12-23. Review status: criteria provided, single submitter. Criteria: Myriad Autosomal Dominant, Autosomal Recessive and X-Linked Classification Criteria (2023). Collection method: clinical testing. Allele origin: unknown.
Comment: This variant is considered benign. This variant is a silent/synonymous amino acid change and it is not expected to impact splicing.

Labcorp Genetics (formerly Invitae), Labcorp
Classification: Likely benign for Hereditary nonpolyposis colorectal neoplasms. Last evaluated: 2024-07-11. Review status: criteria provided, single submitter. Criteria: Invitae Variant Classification Sherloc (09022015). Collection method: clinical testing. Allele origin: germline.

Ambry Genetics
Classification: Likely benign for Hereditary cancer-predisposing syndrome. Last evaluated: 2019-11-25. Review status: criteria provided, single submitter. Criteria: Ambry Variant Classification Scheme 2023. Collection method: clinical testing. Allele origin: germline.

Color Diagnostics, LLC DBA Color Health
Classification: Likely benign for Hereditary cancer-predisposing syndrome. Last evaluated: 2019-10-10. Review status: criteria provided, single submitter. Criteria: ACMG Guidelines, 2015. Collection method: clinical testing. Allele origin: germline.

NM_000179.3(MSH6):c.1224T>C (p.Pro408=)

Gene: MSH6 (mutS homolog 6; plus strand). Cytogenetic location: 2p16.3.
Variant type: single nucleotide variant.
Coding change: c.1224T>C on transcript NM_000179.3 (MANE Select); coding-DNA position 1224, T replaced by C.
Protein change: p.Pro408=; no amino-acid change (proline 408 retained).
Molecular consequence: synonymous variant.
Genome position (GRCh38, 1-based): chr2:47,799,207, T>C. VCF-style: chr2-47799207-T-C. GRCh37 (hg19) VCF-style: chr2-48026346-T-C.
Other names: c.834T>C, p.Pro278= (NM_001281492.2); c.318T>C, p.Pro106= (NM_001281493.2, NM_001281494.2).
Identifiers: ClinVar variation 922708 (VCV000922708.13), dbSNP rs786203834, ClinGen allele CA426120851.